The following is an entry in ClinVar:

ClinVar aggregate classification (germline): Uncertain significance. Review status: criteria provided, multiple submitters, no conflicts (2 of 4 stars). 2 submissions from 2 submitters: Uncertain significance (2). Last evaluated 2026-01-01.

Conditions:
Larsen-like syndrome, B3GAT3 type. Also called: MULTIPLE JOINT DISLOCATIONS, SHORT STATURE, AND CRANIOFACIAL DYSMORPHISM WITH OR WITHOUT CONGENITAL HEART DEFECTS; Multiple joint dislocations, short stature, craniofacial dysmorphism, with or without congenital heart defects. Identifiers: Orphanet 284139, MedGen CN034159, MONDO:0009511, OMIM 245600.

gnomAD v4.1: 94 of 1,613,812 alleles (0.0058%); highest among the groups gnomAD compares: Non-Finnish European, 0.0073%; no homozygotes.

Submissions (2):

Labcorp Genetics (formerly Invitae), Labcorp
Classification: Uncertain significance for Larsen-like syndrome, B3GAT3 type. Last evaluated: 2026-01-01. Review status: criteria provided, single submitter. Criteria: Invitae Variant Classification Sherloc (09022015). Collection method: clinical testing. Allele origin: germline.
Comment: This sequence change replaces arginine, which is basic and polar, with glutamine, which is neutral and polar, at codon 146 of the B3GAT3 protein (p.Arg146Gln). This variant is present in population databases (rs760171087, gnomAD 0.01%). This variant has not been reported in the literature in individuals affected with B3GAT3-related conditions. An algorithm developed to predict the effect of missense changes on protein structure and function (PolyPhen-2) suggests that this variant is likely to be tolerated. In summary, the available evidence is currently insufficient to determine the role of this variant in disease. Therefore, it has been classified as a Variant of Uncertain Significance.

Mayo Clinic Laboratories, Mayo Clinic
Classification: Uncertain significance. Last evaluated: 2025-09-15. Review status: criteria provided, single submitter. Criteria: ACMG Guidelines, 2015. Collection method: clinical testing. Allele origin: germline. Observed: 2 variant alleles.
Comment: BP4

NM_012200.4(B3GAT3):c.437G>A (p.Arg146Gln)

Gene: B3GAT3 (beta-1,3-glucuronyltransferase 3; minus strand). Cytogenetic location: 11q12.3.
Variant type: single nucleotide variant.
Coding change: c.437G>A on transcript NM_012200.4 (MANE Select); coding-DNA position 437, G replaced by A.
Protein change: p.Arg146Gln; replaces arginine 146 with glutamine.
Molecular consequence: missense variant. On other transcripts: non-coding transcript variant (1).
Genome position (GRCh38, 1-based): chr11:62,617,168, C>T on the plus strand (G>A on the coding strand, the complement: B3GAT3 is on the minus strand). VCF-style: chr11-62617168-C-T. GRCh37 (hg19) VCF-style: chr11-62384640-C-T.
Other names: p.Arg146Gln; c.416G>A, p.Arg139Gln (NM_001288721.2); c.437G>A, p.Arg146Gln (NM_001288722.2, NM_001288723.2); short protein forms R146Q, R139Q.
Identifiers: ClinVar variation 4541623 (VCV004541623.2).